The following is an entry in ClinVar:

NM_000155.4(GALT):c.974C>T (p.Pro325Leu)

Gene: GALT (galactose-1-phosphate uridylyltransferase; plus strand). Cytogenetic location: 9p13.3.
Variant type: single nucleotide variant.
Coding change: c.974C>T on transcript NM_000155.4 (MANE Select); coding-DNA position 974, C replaced by T.
Protein change: p.Pro325Leu; replaces proline 325 with leucine.
Molecular consequence: missense variant.
Genome position (GRCh38, 1-based): chr9:34,649,479, C>T. VCF-style: chr9-34649479-C-T. GRCh37 (hg19) VCF-style: chr9-34649476-C-T.
Other names: c.647C>T, p.Pro216Leu (NM_001258332.2); short protein forms P325L, P216L.
Identifiers: ClinVar variation 25305 (VCV000025305.62), dbSNP rs111033794, ClinGen allele CA259554.

ClinVar aggregate classification (germline): Pathogenic/Likely pathogenic. Review status: criteria provided, multiple submitters, no conflicts (2 of 4 stars). 8 submissions from 8 submitters: Pathogenic (6); Likely pathogenic (1). 1 of the submissions does not count toward it. Last evaluated 2025-06-20.

Conditions:
Galactosemia. Also called: Galactose intolerance. Identifiers: Orphanet 352, MedGen C0016952, MONDO:0018116, HP:0004919. Disease mechanism: loss of function.
Deficiency of UDPglucose-hexose-1-phosphate uridylyltransferase. Also called: GALACTOSEMIA I; GALT deficiency; Galactosemia, classic; GALACTOSE-1-PHOSPHATE URIDYLYLTRANSFERASE DEFICIENCY; Transferase Deficiency Galactosemia. Identifiers: Orphanet 352, Orphanet 79239, MedGen C0268151, MONDO:0009258, OMIM 230400.

Allele frequency attached by ClinVar (database versions not stated): TOPMed 0.00001; gnomAD exomes below 0.00001 and 0.00001; ExAC 0.00001; gnomAD 0.00001.
gnomAD v4.1: 8 of 1,614,042 alleles (0.0005%); highest among the groups gnomAD compares: East Asian, 0.0045%; no homozygotes.

Submissions (8):

Natera, Inc.
Classification: Pathogenic for Galactosemia. Last evaluated: 2025-06-20. Review status: criteria provided, single submitter. Criteria: Natera Variant Classification Schema (03/2026). Collection method: clinical testing. Allele origin: germline.
Comment: The c.974C>T variant in GALT is a missense variant predicted to cause substitution of proline to leucine at amino acid 325. This variant is rare in the general population with a frequency below the threshold expected for the associated phenotype(s). This variant has been observed in one or more individuals affected with the associated recessive disease, as either homozygous or compound heterozygous with a second variant (PMID: 22944367, 32903656, 11397328). Given the available evidence, this variant is classified as Pathogenic.

Labcorp Genetics (formerly Invitae), Labcorp
Classification: Pathogenic for Deficiency of UDPglucose-hexose-1-phosphate uridylyltransferase. Last evaluated: 2024-01-22. Review status: criteria provided, single submitter. Criteria: Invitae Variant Classification Sherloc (09022015). Collection method: clinical testing. Allele origin: germline.
Comment: This sequence change replaces proline, which is neutral and non-polar, with leucine, which is neutral and non-polar, at codon 325 of the GALT protein (p.Pro325Leu). This variant is present in population databases (rs111033794, gnomAD 0.008%). This missense change has been observed in individual(s) with galactosemia (PMID: 9222760, 10573007, 20008339, 20213376, 22944367). In at least one individual the data is consistent with being in trans (on the opposite chromosome) from a pathogenic variant. ClinVar contains an entry for this variant (Variation ID: 25305). Advanced modeling of protein sequence and biophysical properties (such as structural, functional, and spatial information, amino acid conservation, physicochemical variation, residue mobility, and thermodynamic stability) performed at Invitae indicates that this missense variant is expected to disrupt GALT protein function with a positive predictive value of 95%. Experimental studies have shown that this missense change affects GALT function (PMID: 10573007). For these reasons, this variant has been classified as Pathogenic.

Baylor Genetics
Classification: Likely pathogenic for Deficiency of UDPglucose-hexose-1-phosphate uridylyltransferase. Last evaluated: 2023-09-30. Review status: criteria provided, single submitter. Criteria: ACMG Guidelines, 2015. Collection method: clinical testing. Allele origin: unknown.

Mayo Clinic Laboratories, Mayo Clinic
Classification: Pathogenic. Last evaluated: 2023-01-25. Review status: criteria provided, single submitter. Criteria: ACMG Guidelines, 2015. Collection method: clinical testing. Allele origin: germline. Observed: 1 variant allele.
Comment: PP3, PP4, PM2, PS3, PS4_moderate

Women's Health and Genetics/Laboratory Corporation of America, LabCorp
Classification: Pathogenic for Deficiency of UDPglucose-hexose-1-phosphate uridylyltransferase. Last evaluated: 2022-05-23. Review status: criteria provided, single submitter. Criteria: LabCorp Variant Classification Summary - May 2015. Collection method: clinical testing. Allele origin: germline.
Comment: Variant summary: GALT c.974C>T (p.Pro325Leu) results in a non-conservative amino acid change located in the C-terminal domain (IPR005850) of the encoded protein sequence. Five of five in-silico tools predict a damaging effect of the variant on protein function. The variant allele was found at a frequency of 1.2e-05 in 251468 control chromosomes (gnomAD). c.974C>T has been reported in the literature in homozygous- and compound heterozygous state in multiple individuals affected with Galactosemia (e.g. Greber-Platzer_1997, Hirokawa_1999, Gort_2006, Milankovics_2010, Li_2020). These data indicate that the variant is very likely to be associated with disease. At least one publication reported experimental evidence evaluating an impact on protein function and demonstrated reduced GALT activity (~11% compared to the WT control) in a cell line transfected with the variant (Hirokawa_1999). Five other clinical diagnostic laboratories have submitted clinical-significance assessments for this variant to ClinVar after 2014 without evidence for independent evaluation. All laboratories classified the variant as pathogenic/likely pathogenic. Based on the evidence outlined above, the variant was classified as pathogenic.

Revvity Omics, Revvity
Classification: Pathogenic for Deficiency of UDPglucose-hexose-1-phosphate uridylyltransferase. Last evaluated: 2020-09-19. Review status: criteria provided, single submitter. Criteria: ACMG Guidelines, 2015. Collection method: clinical testing. Allele origin: germline.

CeGaT Center for Human Genetics Tuebingen
Classification: Pathogenic. Last evaluated: 2019-10-01. Review status: criteria provided, single submitter. Criteria: CeGaT Center For Human Genetics Tuebingen Variant Classification Criteria Version 2. Collection method: clinical testing. Allele origin: germline. Affected: yes. Observed: 3 variant alleles.

Counsyl
Classification: Likely pathogenic for Deficiency of UDPglucose-hexose-1-phosphate uridylyltransferase. Last evaluated: 2018-03-22. Review status: no assertion criteria provided. Collection method: clinical testing. Allele origin: unknown. Not counted in ClinVar's aggregate classification.

Literature cited by the submitters: PubMed 22944367 (cited by 5 submitters); PubMed 32903656 (cited by 3 submitters); PubMed 11397328 (cited by 3 submitters); PubMed 9222760 (cited by 4 submitters); PubMed 10573007 (cited by 4 submitters); PubMed 20008339 (cited by 3 submitters); PubMed 20213376 (cited by 4 submitters); PubMed 17041746 (cited by 3 submitters); PubMed 27005423 (cited by Mayo Clinic Laboratories, Mayo Clinic); PubMed 27176039 (cited by Mayo Clinic Laboratories, Mayo Clinic); PubMed 31194895 (cited by Mayo Clinic Laboratories, Mayo Clinic); PubMed 10408771 (cited by Women's Health and Genetics/Laboratory Corporation of America, LabCorp).